The following is an entry in ClinVar:

NM_003480.4(MFAP5):c.409+184del

Gene: MFAP5 (microfibril associated protein 5; minus strand). Cytogenetic location: 12p13.31.
Variant type: Deletion.
Coding change: c.409+184del on transcript NM_003480.4 (MANE Select); 184 bases into the intron after coding-DNA position 409, one base deleted (T; older notation c.409+184delT).
Molecular consequence: intron variant.
Genome position (GRCh38, 1-based): chr12:8,649,317, A deleted on the plus strand (T on the coding strand, the reverse complement: MFAP5 is on the minus strand). VCF-style (leftmost placement, unchanged base first): chr12-8649316-TA-T. GRCh37 (hg19) VCF-style: chr12-8801912-TA-T.
Other names: c.343+184del (NM_001297710.2); c.334+184del (NM_001297711.2); c.218-1114del (NM_001297712.2); c.379+184del (NM_001297709.2).
Identifiers: ClinVar variation 678013 (VCV000678013.1), dbSNP rs1352559692, ClinGen allele CA603402192.

ClinVar aggregate classification (germline): Benign (1 of 4 stars; one submission).

Allele frequency attached by ClinVar (database versions not stated): gnomAD 0.01894 and 0.02028.

Submission:

GeneDx
Classification: Benign. Last evaluated: 2018-06-16. Review status: criteria provided, single submitter. Criteria: GeneDx Variant Classification (06012015). Collection method: clinical testing. Allele origin: germline. Affected: yes.
Comment: This variant is considered likely benign or benign based on one or more of the following criteria: it is a conservative change, it occurs at a poorly conserved position in the protein, it is predicted to be benign by multiple in silico algorithms, and/or has population frequency not consistent with disease.